The following is an entry in ClinVar:

ClinVar aggregate classification (germline): Likely pathogenic (1 of 4 stars; one submission).

Submission:

Clinical Genomics Laboratory, Laboratory for Precision Diagnostics, University of Washington
Classification: Likely pathogenic. Last evaluated: 2024-02-15. Review status: criteria provided, single submitter. Criteria: ACMG/ClinGen CNV Guidelines, 2019. Collection method: clinical testing. Allele origin: unknown. Affected: yes. Observed: 1 variant allele.
Comment: This terminal deletion is approximately 7.6 Mb in size and encompasses 35 protein-coding genes. It is smaller than the 11.3 Mb critical region for cri-du-chat syndrome. Patients with smaller deletions may exhibit some or all clinical features of cri-du-chat syndrome, or they may remain clinically unaffected. A patient with a terminal deletion between 5p15.31-pter, verified by FISH, did not have intellectual disability or the characteristic cat-like cry (PMID:15602631). A family study involving five affected members with a smaller microdeletion involving 5p15.32-pter resulting from an unbalanced translocation showed varied clinical presentations. Although they had normal cranial circumference at birth and normal speech development, they experienced feeding difficulties after birth, childhood dysmorphism, and developed microcephaly postnatally (PMID:24556499). DECIPHER has documented cases with similar deletions, revealing diverse phenotypic manifestations. Some patients exhibit broader phenotypes including abnormal hand morphology, cleft palate, low-set ears, and micrognathia, while others only present with mild intellectual disability (patient ID 501812, 522626, 275837, 436333, 436322, 436321).

Literature cited by the submitters: PubMed 24556499; PubMed 15602631.

GRCh38/hg38 5p15.33-15.31(chr5:38141-7649747)x1

Genes: LPCAT1 (lysophosphatidylcholine acyltransferase 1), LRRC14B (leucine rich repeat containing 14B; plus strand), LSINCT5 (long stress-induced non-coding transcript 5; plus strand), MED10 (mediator complex subunit 10; minus strand), MIR4277 (microRNA 4277; minus strand) and 275 more. Cytogenetic location: 5p15.33-15.31.
Variant type: copy number loss.
Change: copy number 1 (one copy instead of two) of chr5:38,141-7,649,747 (7.61 Mb, GRCh38 coordinates, 1-based), cytogenetic band 5p15.33-15.31.
Identifiers: ClinVar variation 4974696 (VCV004974696.1).